The following is an entry in ClinVar:

ClinVar aggregate classification (germline): Uncertain significance (1 of 4 stars; one submission).

gnomAD v4.1: 1 of 1,608,190 alleles (0.000062%); highest among the groups gnomAD compares: Non-Finnish European, 0.000085%; no homozygotes.

Submission:

GeneDx
Classification: Uncertain significance. Last evaluated: 2016-08-09. Review status: criteria provided, single submitter. Criteria: GeneDx Variant Classification (06012015). Collection method: clinical testing. Allele origin: germline. Affected: yes.
Comment: The R1825P variant in the CACNA1D gene has not been reported previously as a pathogenic variant, nor as a benign variant, to our knowledge. The R1825P variant was not observed in approximately 6500 individuals of European and African American ancestry in the NHLBI Exome Sequencing Project, indicating it is not a common benign variant in these populations. The R1825P variant is a non-conservative amino acid substitution, which is likely to impact secondary protein structure as these residues differ in polarity, charge, size and/or other properties. This substitution occurs at a position that is conserved across species. In silico analysis is inconsistent in its predictions as to whether or not the variant is damaging to the protein structure/function. We interpret R1825P as a variant of uncertain significance.

NM_001128840.3(CACNA1D):c.5414G>C (p.Arg1805Pro)

Gene: CACNA1D (calcium voltage-gated channel subunit alpha1 D; plus strand). Cytogenetic location: 3p21.1.
Variant type: single nucleotide variant.
Coding change: c.5414G>C on transcript NM_001128840.3 (MANE Select); coding-DNA position 5414, G replaced by C.
Protein change: p.Arg1805Pro; replaces arginine 1805 with proline.
Molecular consequence: missense variant. On other transcripts: intron variant (1).
Genome position (GRCh38, 1-based): chr3:53,802,152, G>C. VCF-style: chr3-53802152-G-C. GRCh37 (hg19) VCF-style: chr3-53836179-G-C.
Other names: c.5474G>C, p.Arg1825Pro (NM_000720.4); c.5363+727G>C (NM_001128839.3); short protein forms R1825P, R1805P.
Identifiers: ClinVar variation 421886 (VCV000421886.2), dbSNP rs754161736, ClinGen allele CA16618004.